The following is an entry in ClinVar:

NM_000179.3(MSH6):c.2413A>T (p.Ile805Phe)

Gene: MSH6 (mutS homolog 6; plus strand). Cytogenetic location: 2p16.3.
Variant type: single nucleotide variant.
Coding change: c.2413A>T on transcript NM_000179.3 (MANE Select); coding-DNA position 2413, A replaced by T.
Protein change: p.Ile805Phe; replaces isoleucine 805 with phenylalanine.
Molecular consequence: missense variant.
Genome position (GRCh38, 1-based): chr2:47,800,396, A>T. VCF-style: chr2-47800396-A-T. GRCh37 (hg19) VCF-style: chr2-48027535-A-T.
Other names: c.2023A>T, p.Ile675Phe (NM_001281492.2); c.1507A>T, p.Ile503Phe (NM_001281493.2, NM_001281494.2); short protein forms I805F, I675F, I503F.
Identifiers: ClinVar variation 483861 (VCV000483861.8), dbSNP rs928923556, ClinGen allele CA346753989.

ClinVar aggregate classification (germline): Uncertain significance. Review status: criteria provided, multiple submitters, no conflicts (2 of 4 stars). 2 submissions from 2 submitters: Uncertain significance (2). Last evaluated 2025-07-11.

Conditions:
Hereditary cancer-predisposing syndrome. Also called: Neoplastic Syndromes, Hereditary; Tumor predisposition; Hereditary Cancer Syndrome; Hereditary neoplastic syndrome. Identifiers: Orphanet 140162, MedGen C0027672, MeSH D009386, MONDO:0015356.

Submissions (2):

Ambry Genetics
Classification: Uncertain significance for Hereditary cancer-predisposing syndrome. Last evaluated: 2025-07-11. Review status: criteria provided, single submitter. Criteria: Ambry Variant Classification Scheme 2023. Collection method: clinical testing. Allele origin: germline.
Comment: The p.I805F variant (also known as c.2413A>T), located in coding exon 4 of the MSH6 gene, results from an A to T substitution at nucleotide position 2413. The isoleucine at codon 805 is replaced by phenylalanine, an amino acid with highly similar properties. This amino acid position is poorly conserved in available vertebrate species. In addition, this alteration is predicted to be tolerated by in silico analysis. Since supporting evidence is limited at this time, the clinical significance of this alteration remains unclear.

Sema4
Classification: Uncertain significance for Hereditary cancer-predisposing syndrome. Last evaluated: 2021-05-04. Review status: criteria provided, single submitter. Criteria: Sema4 Curation Guidelines. Collection method: curation. Allele origin: germline.
Comment: The MSH6 c.2413A>T (p.I805F) variant has not been reported in the literature to our knowledge. It was not observed in the large and broad cohorts of the Genome Aggregation Database (PMID: 32461654). Functional studies have not been performed, and in silico predictions of the variant's effect on protein function are inconclusive. The evidence is insufficient to meet ACMG/AMP criteria for classifying the variant as benign or pathogenic. Thus, the clinical significance of this variant is currently uncertain.